The following is an entry in ClinVar:

NM_152564.5(VPS13B):c.1664A>C (p.Gln555Pro)

Gene: VPS13B (vacuolar protein sorting 13 homolog B; plus strand). Cytogenetic location: 8q22.2.
Variant type: single nucleotide variant.
Coding change: c.1664A>C on transcript NM_152564.5 (MANE Select); coding-DNA position 1664, A replaced by C.
Protein change: p.Gln555Pro; replaces glutamine 555 with proline.
Molecular consequence: missense variant.
Genome position (GRCh38, 1-based): chr8:99,142,986, A>C. VCF-style: chr8-99142986-A-C. GRCh37 (hg19) VCF-style: chr8-100155214-A-C.
Other names: c.1664A>C, p.Gln555Pro (NM_015243.3, NM_017890.5); short protein forms Q555P.
Identifiers: ClinVar variation 1483948 (VCV001483948.3), dbSNP rs2132580980, ClinGen allele CA371863807.

ClinVar aggregate classification (germline): Uncertain significance (1 of 4 stars; one submission).

Conditions:
Cohen syndrome (COH1). Also called: PEPPER SYNDROME; Cutis verticis gyrata, retinitis pigmentosa, and sensorineural deafness. Identifiers: Orphanet 193, MedGen C0265223, MONDO:0008999, OMIM 216550.

gnomAD v4.1: 3 of 1,613,526 alleles (0.00019%); highest among the groups gnomAD compares: South Asian, 0.0033%; no homozygotes.

Submission:

Labcorp Genetics (formerly Invitae), Labcorp
Classification: Uncertain significance for Cohen syndrome. Last evaluated: 2021-11-06. Review status: criteria provided, single submitter. Criteria: Invitae Variant Classification Sherloc (09022015). Collection method: clinical testing. Allele origin: germline.
Comment: This sequence change replaces glutamine, which is neutral and polar, with proline, which is neutral and non-polar, at codon 555 of the VPS13B protein (p.Gln555Pro). This variant is not present in population databases (gnomAD no frequency). This variant has not been reported in the literature in individuals affected with VPS13B-related conditions. Algorithms developed to predict the effect of missense changes on protein structure and function are either unavailable or do not agree on the potential impact of this missense change (SIFT: "Not Available"; PolyPhen-2: "Possibly Damaging"; Align-GVGD: "Not Available"). In summary, the available evidence is currently insufficient to determine the role of this variant in disease. Therefore, it has been classified as a Variant of Uncertain Significance.